The following is an entry in ClinVar:

ClinVar aggregate classification (germline): Uncertain significance. Review status: criteria provided, multiple submitters, no conflicts (2 of 4 stars). 2 submissions from 2 submitters: Uncertain significance (2). Last evaluated 2025-11-20.

Conditions:
Neuroblastoma, susceptibility to, 3. Also called: ALK-Related Neuroblastic Tumor Susceptibility. Identifiers: Orphanet 635, MedGen C2751681, MONDO:0013083, OMIM 613014.
Hereditary cancer-predisposing syndrome. Also called: Tumor predisposition; Neoplastic Syndromes, Hereditary; Hereditary Cancer Syndrome; Hereditary neoplastic syndrome. Identifiers: Orphanet 140162, MedGen C0027672, MeSH D009386, MONDO:0015356.

gnomAD v4.1: 15 of 1,612,320 alleles (0.00093%); highest among the groups gnomAD compares: Non-Finnish European, 0.0013%; no homozygotes.

Submissions (2):

Labcorp Genetics (formerly Invitae), Labcorp
Classification: Uncertain significance for Neuroblastoma, susceptibility to, 3. Last evaluated: 2025-11-20. Review status: criteria provided, single submitter. Criteria: Invitae Variant Classification Sherloc (09022015). Collection method: clinical testing. Allele origin: germline.
Comment: This sequence change replaces arginine, which is basic and polar, with proline, which is neutral and non-polar, at codon 48 of the ALK protein (p.Arg48Pro). This variant is not present in population databases (gnomAD no frequency). This variant has not been reported in the literature in individuals affected with ALK-related conditions. ClinVar contains an entry for this variant (Variation ID: 1772683). An algorithm developed to predict the effect of missense changes on protein structure and function (PolyPhen-2) suggests that this variant is likely to be disruptive. In summary, the available evidence is currently insufficient to determine the role of this variant in disease. Therefore, it has been classified as a Variant of Uncertain Significance.

Ambry Genetics
Classification: Uncertain significance for Hereditary cancer-predisposing syndrome. Last evaluated: 2024-10-23. Review status: criteria provided, single submitter. Criteria: Ambry Variant Classification Scheme 2023. Collection method: clinical testing. Allele origin: germline.
Comment: The p.R48P variant (also known as c.143G>C), located in coding exon 1 of the ALK gene, results from a G to C substitution at nucleotide position 143. The arginine at codon 48 is replaced by proline, an amino acid with dissimilar properties. This amino acid position is conserved. In addition, this alteration is predicted to be deleterious by in silico analysis. Since supporting evidence is limited at this time, the clinical significance of this alteration remains unclear.

NM_004304.5(ALK):c.143G>C (p.Arg48Pro)

Gene: ALK (ALK receptor tyrosine kinase; minus strand). Cytogenetic location: 2p23.1.
Variant type: single nucleotide variant.
Coding change: c.143G>C on transcript NM_004304.5 (MANE Select); coding-DNA position 143, G replaced by C.
Protein change: p.Arg48Pro; replaces arginine 48 with proline.
Molecular consequence: missense variant.
Genome position (GRCh38, 1-based): chr2:29,920,517, C>G on the plus strand (G>C on the coding strand, the complement: ALK is on the minus strand). VCF-style: chr2-29920517-C-G. GRCh37 (hg19) VCF-style: chr2-30143383-C-G.
Other names: short protein forms R48P.
Identifiers: ClinVar variation 1772683 (VCV001772683.9), dbSNP rs1558550140, ClinGen allele CA346590615.